The following is an entry in ClinVar:

ClinVar aggregate classification (germline): Conflicting classifications of pathogenicity. Review status: criteria provided, conflicting classifications (1 of 4 stars). 6 submissions from 6 submitters: Uncertain significance (1); Benign (3); Likely benign (1). 1 of the submissions does not count toward it. Last evaluated 2020-05-14.

Conditions:
CCDC22-related disorder. Also called: CCDC22-related condition.
Intellectual disability. Also called: Intellectual functioning disability; Intellectual developmental disorder; intellectual disabilities. Identifiers: MedGen C3714756, MeSH D008607, MONDO:0001071, HP:0001249.

Allele frequency attached by ClinVar (database versions not stated): 1000 Genomes Project 0.00238; 1000 Genomes Project 30x 0.00229; TOPMed 0.00334; ESP Exome Variant Server 0.00351.
gnomAD v4.1: 5,178 of 1,203,066 alleles (0.43%); highest among the groups gnomAD compares: Non-Finnish European, 0.52%; 4 homozygotes.

Submissions (6):

Cambridge Genomics Laboratory, East Genomic Laboratory Hub, NHS Genomic Medicine Service
Classification: Benign for Intellectual disability. Last evaluated: 2020-05-14. Review status: criteria provided, single submitter. Criteria: ACGS Best Practice Guidelines for Variant Classification in Rare Disease 2020. Collection method: clinical testing. Allele origin: germline. Affected: yes. Observed: 1 variant allele.

Labcorp Genetics (formerly Invitae), Labcorp
Classification: Benign. Last evaluated: 2019-12-31. Review status: criteria provided, single submitter. Criteria: Invitae Variant Classification Sherloc (09022015). Collection method: clinical testing. Allele origin: germline.

Center for Pediatric Genomic Medicine, Children's Mercy Hospital and Clinics
Classification: Likely benign. Last evaluated: 2016-11-11. Review status: criteria provided, single submitter. Criteria: ACMG Guidelines, 2015. Collection method: clinical testing. Allele origin: germline.
ClinVar note: Converted during submission from Likely Benign to Likely benign.

Eurofins Ntd Llc (ga)
Classification: Benign. Last evaluated: 2015-07-15. Review status: criteria provided, single submitter. Criteria: EGL Classification Definitions 2015. Collection method: clinical testing. Allele origin: germline. Observed: 2 variant alleles, 1 heterozygote, 1 hemizygote.

Genetic Services Laboratory, University of Chicago
Classification: Uncertain significance. Last evaluated: 2014-09-24. Review status: criteria provided, single submitter. Criteria: ACMG Guidelines, 2015. Collection method: clinical testing. Allele origin: germline.

PreventionGenetics, part of Exact Sciences
Classification: Benign for CCDC22-related condition. Last evaluated: 2019-07-23. Review status: no assertion criteria provided. Collection method: clinical testing. Allele origin: germline. Not counted in ClinVar's aggregate classification.
Comment: This variant is classified as benign based on ACMG/AMP sequence variant interpretation guidelines (Richards et al. 2015 PMID: 25741868, with internal and published modifications).

NM_014008.5(CCDC22):c.1150C>T (p.Arg384Cys)

Gene: CCDC22 (CCC complex scaffolding subunit CCDC22; plus strand). Cytogenetic location: Xp11.23.
Variant type: single nucleotide variant.
Coding change: c.1150C>T on transcript NM_014008.5 (MANE Select); coding-DNA position 1150, C replaced by T.
Protein change: p.Arg384Cys; replaces arginine 384 with cysteine.
Molecular consequence: missense variant.
Genome position (GRCh38, 1-based): chrX:49,248,248, C>T. VCF-style: chrX-49248248-C-T. GRCh37 (hg19) VCF-style: chrX-49104709-C-T.
Other names: short protein forms R384C.
Identifiers: ClinVar variation 210615 (VCV000210615.20), dbSNP rs143790434, ClinGen allele CA206500.
Genomic context (GRCh38, chrX:49,248,248, plus strand): 5'-CAGGCAGAGTCTGAGTGCCGGCACAGCAAGCTCAGTACAGCAGAGCGTGAGCAGGCCCTG[C>T]GCCTGAAGAGCCGCGCGGTGGAGCTGCTGCCCGATGGGACTGCCAACCTTGCCAAGCTGC-3'
Protein context (NP_054727.1, residues 374-394): LSTAEREQAL[Arg384Cys]LKSRAVELLP